The following is an entry in ClinVar:

ClinVar aggregate classification (germline): Pathogenic. Review status: criteria provided, multiple submitters, no conflicts (2 of 4 stars). 10 submissions from 9 submitters: Pathogenic (7). 3 of the submissions do not count toward it. Last evaluated 2025-09-04.

Conditions:
ABCA4-related disorder. Also called: ABCA4-related condition; ABCA4-related disorders. Identifiers: MedGen CN239167.
Retinal dystrophy. Also called: Inherited retinal dystrophy. Identifiers: Orphanet 71862, MedGen C0854723, MeSH D058499, MONDO:0019118, HP:0000556.
Retinitis pigmentosa 19 (RP19). Also called: ABCA4-Related Retinitis Pigmentosa. Identifiers: Orphanet 791, MedGen C1866422, MONDO:0011137, OMIM 601718.
Severe early-childhood-onset retinal dystrophy (STGD1). Also called: MACULAR DYSTROPHY WITH FLECKS, TYPE 1; STGD; Stargardt disease 1; Stargardt macular dystrophy; Juvenile onset macular degeneration. Identifiers: Orphanet 364055, Orphanet 827, MedGen C1855465, MeSH D000080362, MONDO:0009549, OMIM 248200.

Allele frequency attached by ClinVar (database versions not stated): gnomAD exomes 0.00001 and below 0.00001; gnomAD 0.00001; TOPMed 0.00001.

Submissions (10):

Labcorp Genetics (formerly Invitae), Labcorp
Classification: Pathogenic. Last evaluated: 2025-09-04. Review status: criteria provided, single submitter. Criteria: Invitae Variant Classification Sherloc (09022015). Collection method: clinical testing. Allele origin: germline.
Comment: This sequence change falls in intron 46 of the ABCA4 gene. It does not directly change the encoded amino acid sequence of the ABCA4 protein. It affects a nucleotide within the consensus splice site. This variant is present in population databases (rs61753043, gnomAD 0.0009%). This variant has been observed in individuals with Stargardt disease (PMID: 28118664, 29925512; internal data). ClinVar contains an entry for this variant (Variation ID: 99456). Variants that disrupt the consensus splice site are a relatively common cause of aberrant splicing (PMID: 17576681, 9536098). Algorithms developed to predict the effect of sequence changes on RNA splicing suggest that this variant may disrupt the consensus splice site. For these reasons, this variant has been classified as Pathogenic.

Blueprint Genetics
Classification: Pathogenic for ABCA4-related disorders. Last evaluated: 2024-06-20. Review status: criteria provided, single submitter. Criteria: ACMG Guidelines, 2015. Collection method: clinical testing. Allele origin: germline. Affected: yes. Observed: 5 variant alleles.

Broad Center for Mendelian Genomics, Broad Institute of MIT and Harvard
Classification: Pathogenic for Retinitis pigmentosa 19. Last evaluated: 2023-05-02. Review status: criteria provided, single submitter. Criteria: ACMG Guidelines, 2015. Collection method: curation. Allele origin: germline. Inheritance: Autosomal recessive inheritance.
Comment: The c.6386+2C>G variant in ABCA4 has been previously reported in 5 affected individuals (PMID: 28118664, PMID: 29925512, PMID: 33724725), but has been identified in 0.0015% (1/68034) of European (non-Finnish) chromosomes by the Genome Aggregation Database (gnomAD; dbSNP ID: rs61753043). Although this variant has been seen in the general population in a heterozygous state, its frequency is low enough to be consistent with a recessive carrier frequency. This variant has also been reported in ClinVar (Variation ID: 99456) and has been interpreted as pathogenic or likely pathogenic by multiple submitters. Of these 5 previously reported affected individuals (PMID: 28118664, PMID: 29925512, PMID: 33724725), two were compound heterozygotes who carried a reported pathogenic variant in trans (PMID: 33724725, PMID: 28118664) and three were reported compound heterozygotes who carried a reported pathogenic or likely pathogenic variant in unknown phase (PMID: 29925512), which increases the likelihood that the c.6386+2C>G variant is pathogenic. Mini-gene assay and RT-PCR analysis performed on HEK-293 cells transfected with the c.6386+2C>G variant show evidence of altered splicing (PMID: 28118664). However, these types of assays may not accurately represent biological function. This variant is located in the 5' splice region. Computational tools predict a splicing impact, though this information is not predictive enough to determine pathogenicity. Loss of function of the ABCA4 gene is an established disease mechanism in autosomal recessive retinitis pigmentosa 19. In summary, this variant meets criteria to be classified as pathogenic for autosomal recessive retinitis pigmentosa 19. ACMG/AMP Criteria applied: PVS1, PS3_Supporting, PM2_Supporting, PM3_Strong (Richards 2015).

GeneDx
Classification: Pathogenic. Last evaluated: 2022-02-23. Review status: criteria provided, single submitter. Criteria: GeneDx Variant Classification Process June 2021. Collection method: clinical testing. Allele origin: germline. Affected: yes.
Comment: Canonical splice site variant predicted to result in a null allele in a gene for which loss-of-function is a known mechanism of disease; Not observed at significant frequency in large population cohorts (gnomAD); This variant is associated with the following publications: (PMID: 33214125, 25265374, 32692840, 14517951, 33724725, 28118664, 29925512)

Institute of Human Genetics, Univ. Regensburg, Univ. Regensburg
Classification: Pathogenic for Retinal dystrophy. Last evaluated: 2022-01-01. Review status: criteria provided, single submitter. Criteria: ACMG Guidelines, 2015. Collection method: clinical testing. Allele origin: germline. Affected: yes.

Institute of Medical Genetics and Applied Genomics, University Hospital Tübingen
Classification: Pathogenic. Last evaluated: 2021-02-01. Review status: criteria provided, single submitter. Criteria: ACMG Guidelines, 2015. Collection method: clinical testing. Allele origin: germline. Inheritance: Autosomal recessive inheritance. Affected: yes.

Institute of Human Genetics, Univ. Regensburg, Univ. Regensburg
Classification: Pathogenic for Severe early-childhood-onset retinal dystrophy. Last evaluated: 2016-01-01. Review status: criteria provided, single submitter. Criteria: Schulz et al. (Invest Ophthalmol Vis Sci. 2017). Collection method: clinical testing, in vitro. Allele origin: germline, unknown. Affected: yes. Observed: 1 heterozygote. Functional consequence: sequence_variant_affecting_splicing.

Clinical Genetics DNA and cytogenetics Diagnostics Lab, Erasmus MC, Erasmus Medical Center
Classification: Pathogenic. Review status: no assertion criteria provided. Collection method: clinical testing. Allele origin: germline. Affected: yes. Study: VKGL Data-share Consensus. Not counted in ClinVar's aggregate classification.

Joint Genome Diagnostic Labs from Nijmegen and Maastricht, Radboudumc and MUMC+
Classification: Likely pathogenic. Review status: no assertion criteria provided. Collection method: clinical testing. Allele origin: germline. Affected: yes. Study: VKGL Data-share Consensus. Not counted in ClinVar's aggregate classification.

Retina International
No classification provided. Review status: no classification provided. Collection method: not provided. Allele origin: not provided. Not counted in ClinVar's aggregate classification.

Literature cited by the submitters: PubMed 28118664 (cited by Labcorp Genetics (formerly Invitae), Labcorp and Institute of Human Genetics, Univ. Regensburg, Univ. Regensburg); PubMed 29925512 (cited by Labcorp Genetics (formerly Invitae), Labcorp and Institute of Human Genetics, Univ. Regensburg, Univ. Regensburg); PubMed 17576681 (cited by Labcorp Genetics (formerly Invitae), Labcorp); PubMed 9536098 (cited by Labcorp Genetics (formerly Invitae), Labcorp); PubMed 14517951 (cited by Institute of Human Genetics, Univ. Regensburg, Univ. Regensburg); PubMed 31964843 (cited by Institute of Human Genetics, Univ. Regensburg, Univ. Regensburg); PubMed 32531858 (cited by Institute of Human Genetics, Univ. Regensburg, Univ. Regensburg); PubMed 33724725 (cited by Institute of Human Genetics, Univ. Regensburg, Univ. Regensburg).

NM_000350.3(ABCA4):c.6386+2C>G

Gene: ABCA4 (ATP binding cassette subfamily A member 4; minus strand). Cytogenetic location: 1p22.1.
Variant type: single nucleotide variant.
Coding change: c.6386+2C>G on transcript NM_000350.3 (MANE Select); the canonical splice donor site of the intron after coding-DNA position 6386, C replaced by G.
Molecular consequence: splice donor variant.
Genome position (GRCh38, 1-based): chr1:94,001,000, G>C on the plus strand (C>G on the coding strand, the complement: ABCA4 is on the minus strand). VCF-style: chr1-94001000-G-C. GRCh37 (hg19) VCF-style: chr1-94466556-G-C.
Identifiers: ClinVar variation 99456 (VCV000099456.19), dbSNP rs61753043, ClinGen allele CA227400.